The following is an entry in ClinVar:

ClinVar aggregate classification (germline): Uncertain significance (1 of 4 stars; one submission).

Submission:

Ambry Genetics
Classification: Uncertain significance. Last evaluated: 2023-08-28. Review status: criteria provided, single submitter. Criteria: Ambry Variant Classification Scheme 2023. Collection method: clinical testing. Allele origin: germline.
Comment: The p.P173R variant (also known as c.518C>G), located in coding exon 3 of the MNDA gene, results from a C to G substitution at nucleotide position 518. The proline at codon 173 is replaced by arginine, an amino acid with dissimilar properties. This amino acid position is conserved. In addition, this alteration is predicted to be tolerated by in silico analysis. Since supporting evidence is limited at this time, the clinical significance of this alteration remains unclear.

NM_002432.3(MNDA):c.518C>G (p.Pro173Arg)

Gene: MNDA (myeloid cell nuclear differentiation antigen; plus strand). Cytogenetic location: 1q23.1.
Variant type: single nucleotide variant.
Coding change: c.518C>G on transcript NM_002432.3 (MANE Select); coding-DNA position 518, C replaced by G.
Protein change: p.Pro173Arg; replaces proline 173 with arginine.
Molecular consequence: missense variant.
Genome position (GRCh38, 1-based): chr1:158,844,070, C>G. VCF-style: chr1-158844070-C-G. GRCh37 (hg19) VCF-style: chr1-158813860-C-G.
Other names: short protein forms P173R.
Identifiers: ClinVar variation 2625388 (VCV002625388.2), dbSNP rs749443667, ClinGen allele CA343039365.